The following is an entry in ClinVar:

NM_015443.4(KANSL1):c.741A>T (p.Arg247Ser)

Gene: KANSL1 (KAT8 regulatory NSL complex subunit 1). Cytogenetic location: 17q21.31.
Variant type: single nucleotide variant.
Coding change: c.741A>T on transcript NM_015443.4 (MANE Select); coding-DNA position 741, A replaced by T.
Protein change: p.Arg247Ser; replaces arginine 247 with serine.
Molecular consequence: missense variant. On other transcripts: intron variant (4).
Genome position (GRCh38, 1-based): chr17:46,171,403, T>A on the plus strand (A>T on the coding strand, the complement: KANSL1 is on the minus strand). VCF-style: chr17-46171403-T-A. GRCh37 (hg19) VCF-style: chr17-44248769-T-A.
Other names: c.741A>T, p.Arg247Ser (NM_001405873.1, NM_001405874.1, NM_001405875.1 and 18 more transcripts); c.23+52268A>T (NM_001405885.1, NM_001405884.1, NM_001405883.1 and 1 more transcripts); short protein forms R247S.
Identifiers: ClinVar variation 2633495 (VCV002633495.2), dbSNP rs1881193, ClinGen allele CA399980915.
Genomic context (GRCh38, chr17:46,171,403, plus strand): 5'-CTTTTTACCCTCCAATTTGACACCCCCCAAGTTAGAGCTGGAGTCTGTACCAGGTGATAA[T>A]CTACTGCTTCCTTGAAGTGCCGGCTGTTCCATGGAATTGACAGAGGATTTGTTTGCAGTG-3'
Protein context (NP_056258.1, residues 237-257): MEQPALQGSS[Arg247Ser]LSPGTDSSSN

ClinVar aggregate classification (germline): Uncertain significance (1 of 4 stars; one submission).

Conditions:
KANSL1-related disorder. Also called: KANSL1-related condition.

Submission:

PreventionGenetics, part of Exact Sciences
Classification: Uncertain significance for KANSL1-related condition. Last evaluated: 2025-05-29. Review status: criteria provided, single submitter. Criteria: ACMG Guidelines, 2015. Collection method: clinical testing. Allele origin: germline.
Comment: The KANSL1 c.741A>T variant is predicted to result in the amino acid substitution p.Arg247Ser. To our knowledge, this variant has not been reported in the literature or in a large population database, indicating this variant is rare. At this time, the clinical significance of this variant is uncertain due to the absence of conclusive functional and genetic evidence.